The following is an entry in ClinVar:

NM_030578.4(B9D2):c.301A>C (p.Ser101Arg)

Gene: B9D2 (B9 domain containing 2; minus strand). Cytogenetic location: 19q13.2.
Variant type: single nucleotide variant.
Coding change: c.301A>C on transcript NM_030578.4 (MANE Select); coding-DNA position 301, A replaced by C.
Protein change: p.Ser101Arg; replaces serine 101 with arginine.
Molecular consequence: missense variant.
Genome position (GRCh38, 1-based): chr19:41,354,927, T>G on the plus strand (A>C on the coding strand, the complement: B9D2 is on the minus strand). VCF-style: chr19-41354927-T-G. GRCh37 (hg19) VCF-style: chr19-41860832-T-G.
Other names: B9D2, SER101ARG; short protein forms S101R.
Identifiers: ClinVar variation 30931 (VCV000030931.3), dbSNP rs1487082103, ClinGen allele CA406008844.

ClinVar aggregate classification (germline): Pathogenic/Likely pathogenic. Review status: criteria provided, multiple submitters, no conflicts (2 of 4 stars). 3 submissions from 3 submitters: Pathogenic (1); Likely pathogenic (1). 1 of the submissions does not count toward it. Last evaluated 2023-08-10.

Conditions:
B9D2-related disorders.
Joubert syndrome and related disorders. Identifiers: Orphanet 140874, MedGen C5679612, MONDO:0015369.
Meckel syndrome, type 10 (MKS10). Identifiers: Orphanet 564, MedGen C3280036, MONDO:0013609, OMIM 614175.

Allele frequency attached by ClinVar (database versions not stated): gnomAD exomes 0.00001.
gnomAD v4.1: 9 of 1,613,296 alleles (0.00056%); highest among the groups gnomAD compares: South Asian, 0.0099%; no homozygotes.

Submissions (3):

Women's Health and Genetics/Laboratory Corporation of America, LabCorp
Classification: Pathogenic for Joubert syndrome and related disorders. Last evaluated: 2023-08-10. Review status: criteria provided, single submitter. Criteria: LabCorp Variant Classification Summary - May 2015. Collection method: clinical testing. Allele origin: germline.
Comment: Variant summary: B9D2 c.301A>C (p.Ser101Arg) results in a non-conservative amino acid change in the encoded protein sequence. Four of five in-silico tools predict a damaging effect of the variant on protein function. The variant allele was found at a frequency of 8.2e-06 in 244814 control chromosomes. c.301A>C has been reported in the literature in two siblings affected with Meckel Syndrome (example, Dowdle_2011). At least one publication reports experimental evidence evaluating an impact on protein function. The most pronounced variant effect results in a complete loss of normal activity, as the variant has failed to rescue the developmental deficits of a B9D2 knockout zebrafish, and has failed to interact with MKS1, another key B9 domain-containing protein (Dowdle_2011). These data indicate that the variant is likely to be associated with Joubert Syndrome And Related Disorders. The following publication have been ascertained in the context of this evaluation (PMID: 21763481). No submitters have cited clinical-significance assessments for this variant to ClinVar after 2014. Based on the evidence outlined above, the variant was classified as pathogenic.

Blueprint Genetics
Classification: Likely pathogenic for B9D2-related disorders. Last evaluated: 2019-12-04. Review status: criteria provided, single submitter. Criteria: ACMG Guidelines, 2015. Collection method: clinical testing. Allele origin: germline. Affected: yes. Observed: 2 variant alleles.

OMIM
Classification: Pathogenic for MECKEL SYNDROME, TYPE 10. Last evaluated: 2011-07-15. Review status: no assertion criteria provided. Collection method: literature only. Allele origin: germline. Not counted in ClinVar's aggregate classification.

Literature cited by the submitters: PubMed 21763481 (cited by Women's Health and Genetics/Laboratory Corporation of America, LabCorp and OMIM).